The following is an entry in ClinVar:

ClinVar aggregate classification (germline): Likely benign. Review status: criteria provided, multiple submitters, no conflicts (2 of 4 stars). 4 submissions from 4 submitters: Likely benign (4). Last evaluated 2026-03-01.

Conditions:
AGK-related disorder. Also called: AGK-related disorders; AGK-related condition. Identifiers: MedGen CN239194.
Sengers syndrome. Also called: MITOCHONDRIAL DNA DEPLETION SYNDROME 10 (CARDIOMYOPATHIC TYPE); Cardiomyopathy and cataract. Identifiers: Orphanet 1369, MedGen C1859317, MONDO:0008922, OMIM 212350.
Cataract 38. Also called: Cataract, autosomal recessive congenital 5; Cataract 38, autosomal recessive. Identifiers: Orphanet 91492, MedGen C3553494, MONDO:0013859, OMIM 614691.

Allele frequency attached by ClinVar (database versions not stated): ExAC 0.00010; gnomAD exomes 0.00010; gnomAD 0.00013; TOPMed 0.00022; 1000 Genomes Project 30x 0.00031; 1000 Genomes Project 0.00040.
gnomAD v4.1: 104 of 1,613,134 alleles (0.0064%); highest among the groups gnomAD compares: African/African-American, 0.033%; no homozygotes.

Submissions (4):

CeGaT Center for Human Genetics Tuebingen
Classification: Likely benign. Last evaluated: 2026-03-01. Review status: criteria provided, single submitter. Criteria: CeGaT Center For Human Genetics Tuebingen Variant Classification Criteria Version 2. Collection method: clinical testing. Allele origin: germline. Affected: yes. Observed: 1 variant allele.
Comment: AGK: BP4, BP7

Labcorp Genetics (formerly Invitae), Labcorp
Classification: Likely benign for Sengers syndrome; Cataract 38. Last evaluated: 2026-01-05. Review status: criteria provided, single submitter. Criteria: Invitae Variant Classification Sherloc (09022015). Collection method: clinical testing. Allele origin: germline.

PreventionGenetics, part of Exact Sciences
Classification: Likely benign for AGK-related condition. Last evaluated: 2024-10-17. Review status: criteria provided, single submitter. Criteria: ACMG Guidelines, 2015. Collection method: clinical testing. Allele origin: germline.
Comment: This variant is classified as likely benign based on ACMG/AMP sequence variant interpretation guidelines (Richards et al. 2015 PMID: 25741868, with internal and published modifications).

Blueprint Genetics
Classification: Likely benign. Last evaluated: 2024-10-14. Review status: criteria provided, single submitter. Criteria: ACMG Guidelines, 2015. Collection method: clinical testing. Allele origin: germline.

NM_018238.4(AGK):c.852G>A (p.Ala284=)

Gene: AGK (acylglycerol kinase; plus strand). Cytogenetic location: 7q34.
Variant type: single nucleotide variant.
Coding change: c.852G>A on transcript NM_018238.4 (MANE Select); coding-DNA position 852, G replaced by A.
Protein change: p.Ala284=; no amino-acid change (alanine 284 retained).
Molecular consequence: synonymous variant.
Genome position (GRCh38, 1-based): chr7:141,641,373, G>A. VCF-style: chr7-141641373-G-A. GRCh37 (hg19) VCF-style: chr7-141341173-G-A.
Other names: c.852G>A, p.Ala284= (NM_001364948.3).
Identifiers: ClinVar variation 784793 (VCV000784793.14), dbSNP rs183816817, ClinGen allele CA4517593.